The following is an entry in ClinVar:

NM_001378418.1(TCF20):c.4171_4173dup (p.Gly1391_Pro1392insGly)

Gene: TCF20 (transcription factor 20; minus strand). Cytogenetic location: 22q13.2.
Variant type: Duplication.
Coding change: c.4171_4173dup on transcript NM_001378418.1 (MANE Select); coding-DNA positions 4171 to 4173, 3 bases duplicated (GGT; older notation c.4171_4173dupGGT).
Protein change: p.Gly1391_Pro1392insGly.
Genome position (GRCh38, 1-based): chr22:42,211,133-42,211,135, ACC duplicated on the plus strand (GGT on the coding strand, the reverse complement: TCF20 is on the minus strand); duplicating any 3 consecutive bases within chr22:42,211,133-42,211,137 gives the same sequence; the c. name uses the placement nearest the transcript's 3' end. VCF-style (leftmost placement, unchanged base first): chr22-42211132-G-GACC. GRCh37 (hg19) VCF-style: chr22-42607138-G-GACC.
Other names: c.4171_4173dup, p.Gly1391_Pro1392insGly (NM_005650.4, NM_181492.3).
Identifiers: ClinVar variation 3364212 (VCV003364212.2).

ClinVar aggregate classification (germline): Uncertain significance (1 of 4 stars; one submission).

Submission:

GeneDx
Classification: Uncertain significance. Last evaluated: 2026-09-02. Review status: criteria provided, single submitter. Criteria: GeneDx Variant Classification Process June 2021. Collection method: clinical testing. Allele origin: germline.
Comment: Not observed at significant frequency in large population cohorts (gnomAD); In-frame deletion of 1 amino acid(s) in a non-repeat region; Has not been previously published as pathogenic or benign to our knowledge